The following is an entry in ClinVar:

ClinVar aggregate classification (germline): Likely pathogenic (1 of 4 stars; one submission).

Conditions:
Intellectual developmental disorder, autosomal dominant 44, with microcephaly. Also called: TRIO-Related Intellectual Disability; Micrognathia-recurrent infections-behavioral abnormalities-mild intellectual disability syndrome. Identifiers: Orphanet 476126, MedGen C4310740, MONDO:0014892, OMIM 617061.

Submission:

Greenwood Genetic Center Diagnostic Laboratories, Greenwood Genetic Center
Classification: Likely pathogenic for Intellectual developmental disorder, autosomal dominant 44, with microcephaly. Last evaluated: 2021-12-30. Review status: criteria provided, single submitter. Criteria: ACMG Guidelines, 2015. Collection method: clinical testing. Allele origin: germline. Affected: yes.
Comment: PVS1, PM2

NM_007118.4(TRIO):c.4495del (p.Thr1499fs)

Gene: TRIO (trio Rho guanine nucleotide exchange factor; plus strand). Cytogenetic location: 5p15.2.
Variant type: Deletion.
Coding change: c.4495del on transcript NM_007118.4 (MANE Select); coding-DNA position 4495, one base deleted (A; older notation c.4495delA).
Protein change: p.Thr1499fs; shifts the reading frame from threonine 1499.
Molecular consequence: frameshift variant. On other transcripts: non-coding transcript variant (1).
Genome position (GRCh38, 1-based): chr5:14,398,951, A deleted; the last of 5 consecutive A bases (chr5:14,398,947-14,398,951); deleting any one gives the same sequence. VCF-style (leftmost placement, unchanged base first): chr5-14398946-CA-C. GRCh37 (hg19) VCF-style: chr5-14399055-CA-C.
Other names: short protein forms T1499fs.
Identifiers: ClinVar variation 1334723 (VCV001334723.4), dbSNP rs2152373759, ClinGen allele CA2573052443.